The following is an entry in ClinVar:

NM_003079.5(SMARCE1):c.1213C>A (p.Pro405Thr)

Gene: SMARCE1 (SWI/SNF related BAF chromatin remodeling complex subunit E1; minus strand). Cytogenetic location: 17q21.2.
Variant type: single nucleotide variant.
Coding change: c.1213C>A on transcript NM_003079.5 (MANE Select); coding-DNA position 1213, C replaced by A.
Protein change: p.Pro405Thr; replaces proline 405 with threonine.
Molecular consequence: missense variant.
Genome position (GRCh38, 1-based): chr17:40,628,808, G>T on the plus strand (C>A on the coding strand, the complement: SMARCE1 is on the minus strand). VCF-style: chr17-40628808-G-T. GRCh37 (hg19) VCF-style: chr17-38785060-G-T.
Other names: short protein forms P405T.
Identifiers: ClinVar variation 3446141 (VCV003446141.1).
Genomic context (GRCh38, chr17:40,628,808, plus strand): 5'-AAAAAAAGTATTTAGAACACACAAAACAAGGCAACACTTATTCTTTTTTCTCATCTTCTG[G>T]TATGGGATCTGTTGGTGGCTCCTCCACTGTTGCACTGTTGCTCTCCGAGCCAGTGTTACT-3'
Protein context (NP_003070.3, residues 395-411): TVEEPPTDPI[Pro405Thr]EDEKKE

ClinVar aggregate classification (germline): Uncertain significance (1 of 4 stars; one submission).

Conditions:
Hereditary cancer-predisposing syndrome. Also called: Tumor predisposition; Neoplastic Syndromes, Hereditary; Hereditary neoplastic syndrome; Hereditary Cancer Syndrome. Identifiers: Orphanet 140162, MedGen C0027672, MeSH D009386, MONDO:0015356.

Submission:

Ambry Genetics
Classification: Uncertain significance for Hereditary cancer-predisposing syndrome. Last evaluated: 2024-08-17. Review status: criteria provided, single submitter. Criteria: Ambry Variant Classification Scheme 2023. Collection method: clinical testing. Allele origin: germline.
Comment: The p.P405T variant (also known as c.1213C>A), located in coding exon 10 of the SMARCE1 gene, results from a C to A substitution at nucleotide position 1213. The proline at codon 405 is replaced by threonine, an amino acid with highly similar properties. This amino acid position is conserved. In addition, this alteration is predicted to be tolerated by in silico analysis. Based on the available evidence, the clinical significance of this variant remains unclear.